The following is an entry in ClinVar:

NM_178161.3(PTF1A):c.187C>T (p.Arg63Cys)

Gene: PTF1A (pancreas associated transcription factor 1a; plus strand). Cytogenetic location: 10p12.2.
Variant type: single nucleotide variant.
Coding change: c.187C>T on transcript NM_178161.3 (MANE Select); coding-DNA position 187, C replaced by T.
Protein change: p.Arg63Cys; replaces arginine 63 with cysteine.
Molecular consequence: missense variant.
Genome position (GRCh38, 1-based): chr10:23,192,717, C>T. VCF-style: chr10-23192717-C-T. GRCh37 (hg19) VCF-style: chr10-23481646-C-T.
Other names: c.187C>T (NM_178161.2); short protein forms R63C.
Identifiers: ClinVar variation 1408333 (VCV001408333.7), dbSNP rs761273405, ClinGen allele CA5438584.

ClinVar aggregate classification (germline): Uncertain significance. Review status: criteria provided, multiple submitters, no conflicts (2 of 4 stars). 2 submissions from 2 submitters: Uncertain significance (2). Last evaluated 2024-12-16.

Conditions:
Inborn genetic diseases. Identifiers: MedGen C0950123, MeSH D030342.

Allele frequency attached by ClinVar (database versions not stated): gnomAD exomes below 0.00001 and 0.00001; ExAC 0.00001; gnomAD 0.00002 and 0.00003; TOPMed 0.00007.
gnomAD v4.1: 7 of 1,551,668 alleles (0.00045%); highest among the groups gnomAD compares: Admixed American, 0.0056%; no homozygotes.

Submissions (2):

Ambry Genetics
Classification: Uncertain significance for Inborn genetic diseases. Last evaluated: 2024-12-16. Review status: criteria provided, single submitter. Criteria: Ambry Variant Classification Scheme 2023. Collection method: clinical testing. Allele origin: germline.

Labcorp Genetics (formerly Invitae), Labcorp
Classification: Uncertain significance. Last evaluated: 2021-12-06. Review status: criteria provided, single submitter. Criteria: Invitae Variant Classification Sherloc (09022015). Collection method: clinical testing. Allele origin: germline.
Comment: This sequence change replaces arginine, which is basic and polar, with cysteine, which is neutral and slightly polar, at codon 63 of the PTF1A protein (p.Arg63Cys). This variant is present in population databases (rs761273405, gnomAD 0.01%). This variant has not been reported in the literature in individuals affected with PTF1A-related conditions. Algorithms developed to predict the effect of missense changes on protein structure and function (SIFT, PolyPhen-2, Align-GVGD) all suggest that this variant is likely to be disruptive. In summary, the available evidence is currently insufficient to determine the role of this variant in disease. Therefore, it has been classified as a Variant of Uncertain Significance.